The following is an entry in ClinVar:

ClinVar aggregate classification (germline): Uncertain significance (1 of 4 stars; one submission).

Allele frequency attached by ClinVar (database versions not stated): gnomAD 0.00001; gnomAD exomes 0.00001; ExAC 0.00002; ESP Exome Variant Server 0.00008.
gnomAD v4.1: 22 of 1,609,160 alleles (0.0014%); highest among the groups gnomAD compares: Non-Finnish European, 0.0019%; no homozygotes.

Submission:

Labcorp Genetics (formerly Invitae), Labcorp
Classification: Uncertain significance. Last evaluated: 2024-02-14. Review status: criteria provided, single submitter. Criteria: Invitae Variant Classification Sherloc (09022015). Collection method: clinical testing. Allele origin: germline.
Comment: This sequence change replaces histidine, which is basic and polar, with tyrosine, which is neutral and polar, at codon 662 of the IL6ST protein (p.His662Tyr). This variant is present in population databases (rs200816863, gnomAD 0.004%). This variant has not been reported in the literature in individuals affected with IL6ST-related conditions. ClinVar contains an entry for this variant (Variation ID: 1500896). An algorithm developed to predict the effect of missense changes on protein structure and function (PolyPhen-2) suggests that this variant is likely to be tolerated. In summary, the available evidence is currently insufficient to determine the role of this variant in disease. Therefore, it has been classified as a Variant of Uncertain Significance.

NM_002184.4(IL6ST):c.1984C>T (p.His662Tyr)

Gene: IL6ST (interleukin 6 cytokine family signal transducer; minus strand). Cytogenetic location: 5q11.2.
Variant type: single nucleotide variant.
Coding change: c.1984C>T on transcript NM_002184.4 (MANE Select); coding-DNA position 1984, C replaced by T.
Protein change: p.His662Tyr; replaces histidine 662 with tyrosine.
Molecular consequence: missense variant. On other transcripts: 3 prime UTR variant (1), non-coding transcript variant (2).
Genome position (GRCh38, 1-based): chr5:55,942,705, G>A on the plus strand (C>T on the coding strand, the complement: IL6ST is on the minus strand). VCF-style: chr5-55942705-G-A. GRCh37 (hg19) VCF-style: chr5-55238533-G-A.
Other names: c.1801C>T, p.His601Tyr (NM_001190981.2); c.1882C>T, p.His628Tyr (NM_001364275.2); c.1774C>T, p.His592Tyr (NM_001364276.2); c.1117C>T, p.His373Tyr (NM_001364277.2); c.1081C>T, p.His361Tyr (NM_001364278.2); c.988C>T, p.His330Tyr (NM_001364279.2); c.*911C>T (NM_175767.3); short protein forms H592Y, H601Y, H662Y, H373Y, H330Y, H361Y, H628Y.
Identifiers: ClinVar variation 1500896 (VCV001500896.8), dbSNP rs200816863, ClinGen allele CA3271241.
Genomic context (GRCh38, chr5:55,942,705, plus strand): 5'-ACAACTCAGAAGCATTTTCTCTTACCCTTGGAGGAGTGTGAGGTGACCACTGGGCAATAT[G>A]ACTCTTTGAAGGATCTGGAACATTAGGCCAGATGTGTTTTTTAATTCTGAAGAGAAAAGA-3'
Protein context (NP_002175.2, residues 652-672): WPNVPDPSKS[His662Tyr]IAQWSPHTPP